The following is an entry in ClinVar:

ClinVar aggregate classification (germline): Pathogenic (1 of 4 stars; one submission).

Submission:

Labcorp Genetics (formerly Invitae), Labcorp
Classification: Pathogenic. Last evaluated: 2024-01-25. Review status: criteria provided, single submitter. Criteria: Invitae Variant Classification Sherloc (09022015). Collection method: clinical testing. Allele origin: germline.
Comment: This sequence change creates a premature translational stop signal (p.Met243Asnfs*28) in the CTNNB1 gene. It is expected to result in an absent or disrupted protein product. Loss-of-function variants in CTNNB1 are known to be pathogenic (PMID: 23033978, 24614104, 25326669, 26350204, 28575650). This variant is not present in population databases (gnomAD no frequency). This variant has not been reported in the literature in individuals affected with CTNNB1-related conditions. For these reasons, this variant has been classified as Pathogenic.

Literature cited by the submitters: PubMed 23033978; PubMed 24614104; PubMed 25326669; PubMed 26350204; PubMed 28575650.

NM_001904.4(CTNNB1):c.727dup (p.Met243fs)

Genes: CTNNB1 (catenin beta 1; plus strand), LOC126806658 (BRD4-independent group 4 enhancer GRCh37_chr3:41265899-41267098; plus strand). Cytogenetic location: 3p22.1.
Variant type: Duplication.
Coding change: c.727dup on transcript NM_001904.4 (MANE Select); coding-DNA position 727, one base duplicated (A; older notation c.727dupA).
Protein change: p.Met243fs; shifts the reading frame from methionine 243.
Molecular consequence: frameshift variant.
Genome position (GRCh38, 1-based): chr3:41,225,565, A duplicated; the last of 4 consecutive A bases (chr3:41,225,562-41,225,565); duplicating any one gives the same sequence. VCF-style (leftmost placement, unchanged base first): chr3-41225561-G-GA. GRCh37 (hg19) VCF-style: chr3-41267052-G-GA.
Other names: c.727dup, p.Met243fs (NM_001098209.2, NM_001098210.2); c.706dup, p.Met236fs (NM_001330729.2); short protein forms M236fs, M243fs.
Identifiers: ClinVar variation 2711396 (VCV002711396.3), dbSNP rs2470787406, ClinGen allele CA2697550822.